The following is an entry in ClinVar:

ClinVar aggregate classification (germline): Likely benign (1 of 4 stars; one submission).

gnomAD v4.1: 92 of 1,613,948 alleles (0.0057%); highest among the groups gnomAD compares: Non-Finnish European, 0.007%; no homozygotes.

Submission:

CeGaT Center for Human Genetics Tuebingen
Classification: Likely benign. Last evaluated: 2026-09-01. Review status: criteria provided, single submitter. Criteria: CeGaT Center For Human Genetics Tuebingen Variant Classification Criteria Version 2. Collection method: clinical testing. Allele origin: germline. Affected: yes. Observed: 1 variant allele.
Comment: PPFIBP1: BP4, BP7

NM_003622.4(PPFIBP1):c.1851G>A (p.Ala617=)

Gene: PPFIBP1 (PPFIB scaffold protein 1; plus strand). Cytogenetic location: 12p11.22.
Variant type: single nucleotide variant.
Coding change: c.1851G>A on transcript NM_003622.4 (MANE Select); coding-DNA position 1851, G replaced by A.
Protein change: p.Ala617=; no amino-acid change (alanine 617 retained).
Molecular consequence: synonymous variant.
Genome position (GRCh38, 1-based): chr12:27,680,017, G>A. VCF-style: chr12-27680017-G-A. GRCh37 (hg19) VCF-style: chr12-27832950-G-A.
Other names: c.1410G>A, p.Ala470= (NM_001198915.2); c.1776G>A, p.Ala592= (NM_001198916.2); c.1869G>A, p.Ala623= (NM_177444.3).
Identifiers: ClinVar variation 5040857 (VCV005040857.1).